The following is an entry in ClinVar:

ClinVar aggregate classification (germline): Pathogenic (1 of 4 stars; one submission).

Conditions:
Neurofibromatosis, type 1 (NF1). Also called: NEUROFIBROMATOSIS, TYPE I, SOMATIC; VON RECKLINGHAUSEN DISEASE; Peripheral type neurofibromatosis; Neurofibromatosis, type I. Identifiers: Orphanet 636, MedGen C0027831, MONDO:0018975, OMIM 162200. Disease mechanism: loss of function.

Submission:

Labcorp Genetics (formerly Invitae), Labcorp
Classification: Pathogenic for Neurofibromatosis, type 1. Last evaluated: 2025-03-25. Review status: criteria provided, single submitter. Criteria: Invitae Variant Classification Sherloc (09022015). Collection method: clinical testing. Allele origin: germline.
Comment: This sequence change creates a premature translational stop signal (p.Asp668Glufs*2) in the NF1 gene. It is expected to result in an absent or disrupted protein product. Loss-of-function variants in NF1 are known to be pathogenic (PMID: 10712197, 23913538). This variant is not present in population databases (gnomAD no frequency). This variant has not been reported in the literature in individuals affected with NF1-related conditions. For these reasons, this variant has been classified as Pathogenic.

Literature cited by the submitters: PubMed 10712197; PubMed 23913538.

NM_001042492.3(NF1):c.2003dup (p.Asp668fs)

Gene: NF1 (neurofibromin 1; plus strand). Cytogenetic location: 17q11.2.
Variant type: Duplication.
Coding change: c.2003dup on transcript NM_001042492.3 (MANE Select); coding-DNA position 2003, one base duplicated (A; older notation c.2003dupA).
Protein change: p.Asp668fs; shifts the reading frame from aspartic acid 668.
Molecular consequence: frameshift variant.
Genome position (GRCh38, 1-based): chr17:31,226,436, A duplicated. VCF-style (leftmost placement, unchanged base first): chr17-31226435-G-GA. GRCh37 (hg19) VCF-style: chr17-29553453-G-GA.
Other names: c.2003dup, p.Asp668fs (NM_000267.4); short protein forms D668fs.
Identifiers: ClinVar variation 4715876 (VCV004715876.1).